The following is an entry in ClinVar:

NM_000404.4(GLB1):c.1321G>A (p.Asp441Asn)

Gene: GLB1 (galactosidase beta 1; minus strand). Cytogenetic location: 3p22.3.
Variant type: single nucleotide variant.
Coding change: c.1321G>A on transcript NM_000404.4 (MANE Select); coding-DNA position 1321, G replaced by A.
Protein change: p.Asp441Asn; replaces aspartic acid 441 with asparagine.
Molecular consequence: missense variant.
Genome position (GRCh38, 1-based): chr3:33,018,474, C>T on the plus strand (G>A on the coding strand, the complement: GLB1 is on the minus strand). VCF-style: chr3-33018474-C-T. GRCh37 (hg19) VCF-style: chr3-33059966-C-T.
Other names: c.1231G>A, p.Asp411Asn (NM_001079811.3); c.928G>A, p.Asp310Asn (NM_001135602.3); c.1465G>A, p.Asp489Asn (NM_001317040.2); c.1321G>A, p.Asp441Asn (NM_001393580.1); c.1321G>A (NM_000404.3); short protein forms D441N, D310N, D489N, D411N.
Identifiers: ClinVar variation 551496 (VCV000551496.15), dbSNP rs780724173, ClinGen allele CA2299428.

ClinVar aggregate classification (germline): Pathogenic. Review status: criteria provided, multiple submitters, no conflicts (2 of 4 stars). 6 submissions from 6 submitters: Pathogenic (5). 1 of the submissions does not count toward it. Last evaluated 2026-06-09.

Conditions:
GLB1-related disorder. Also called: GLB1-related disorders. Identifiers: MedGen CN377807.
Infantile GM1 gangliosidosis. Also called: GM1-gangliosidosis, type I; Gangliosidosis, generalized GM1, infantile form; GLB1 deficiency; GM1 gangliosidosis type 1; Gangliosidosis, Generalized GM1, Type 1. Identifiers: Orphanet 354, Orphanet 79255, MedGen C0268271, MONDO:0009260, OMIM 230500.
GM1 gangliosidosis type 2. Also called: Gangliosidosis, Generalized GM1, Type 2; GM1-GANGLIOSIDOSIS, TYPE II; GANGLIOSIDOSIS, GENERALIZED GM1, JUVENILE TYPE; GANGLIOSIDOSIS, GENERALIZED GM1, TYPE II; Juvenile GM>1< gangliosidosis. Identifiers: Orphanet 354, Orphanet 79256, MedGen C0268272, MONDO:0009261, OMIM 230600.
Mucopolysaccharidosis, MPS-IV-B (MPS4B). Also called: Mucopolysaccharidosis type 4B; Mucopolysaccharidosis type IVB (Morquio); MPS IVB; Mucopolysaccharidosis type IV B; Mucopolysaccharidosis Type IVB (Morquio B Disease); MORQUIO SYNDROME B. Identifiers: Orphanet 309310, Orphanet 582, MedGen C0086652, MONDO:0009660, OMIM 253010.
GM1 gangliosidosis type 3. Also called: Gangliosidosis, Generalized GM1, Type 3; GM1-GANGLIOSIDOSIS, TYPE III; GANGLIOSIDOSIS, GENERALIZED GM1, ADULT TYPE; GANGLIOSIDOSIS, GENERALIZED GM1, CHRONIC TYPE; GANGLIOSIDOSIS, GENERALIZED GM1, TYPE III; Beta-galactosidase deficiency. Identifiers: Orphanet 79257, MedGen C0268273, MONDO:0009262, OMIM 230650.
GM1 gangliosidosis. Identifiers: Orphanet 354, MedGen C0085131, MONDO:0018149.

Allele frequency attached by ClinVar (database versions not stated): gnomAD exomes below 0.00001 and 0.00001; ExAC 0.00001; gnomAD 0.00002; TOPMed 0.00002.
gnomAD v4.1: 10 of 1,613,906 alleles (0.00062%); highest among the groups gnomAD compares: Admixed American, 0.012%; no homozygotes.

Submissions (6):

Women's Health and Genetics/Laboratory Corporation of America, LabCorp
Classification: Pathogenic for Infantile GM1 gangliosidosis. Last evaluated: 2026-06-09. Review status: criteria provided, single submitter. Criteria: LabCorp Variant Classification Summary - May 2015. Collection method: clinical testing. Allele origin: germline.
Comment: Variant summary: GLB1 c.1321G>A (p.Asp441Asn) results in a conservative amino acid change in the encoded protein sequence. Algorithms developed to predict the effect of missense changes on protein structure and function are either unavailable or do not agree on the potential impact of this missense change. The variant allele was found at a frequency of 1.2e-05 in 249578 control chromosomes. c.1321G>A has been observed in multiple unrelated individuals with homozygous or compound heterozygous genotype affected with Infantile GM1 gangliosidosis (e.g. Santamaria_2006, Caciotti_2011, Jarnes_2017). These data indicate that the variant is likely to be associated with disease. At least one publication reports experimental evidence evaluating an impact on protein function (Santamaria_2007). The most pronounced variant effect results in <10% of normal activity. The following publications have been ascertained in the context of this evaluation (PMID: 21497194, 28476546, 16941474, 17664528). ClinVar contains an entry for this variant (Variation ID: 551496). Based on the evidence outlined above, the variant was classified as pathogenic.

Natera, Inc.
Classification: Pathogenic for Mucopolysaccharidosis, MPS-IV-B. Last evaluated: 2025-12-18. Review status: criteria provided, single submitter. Criteria: Natera Variant Classification Schema (03/2026). Collection method: clinical testing. Allele origin: germline.
Comment: The c.1321G>A variant in GLB1 is a missense variant predicted to cause substitution of aspartic acid to asparagine at amino acid 441. This variant is rare in the general population with a frequency below the threshold expected for the associated phenotype(s). This variant has been observed in one or more individuals affected with the associated recessive disease, as either homozygous or compound heterozygous with a second variant (PMID: 16941474, 28476546). Computational prediction algorithms indicate this variant is likely to affect gene or protein function. Given the available evidence, this variant is classified as Pathogenic.

PreventionGenetics, part of Exact Sciences
Classification: Pathogenic for GLB1-related condition. Last evaluated: 2025-10-29. Review status: criteria provided, single submitter. Criteria: ACMG Guidelines, 2015. Collection method: clinical testing. Allele origin: germline.
Comment: The GLB1 c.1321G>A variant is predicted to result in the amino acid substitution p.Asp441Asn. This variant has been reported in the homozygous or compound heterozygous states in individuals with GM1 gangliosidosis or Morquio B disease (Santamaria et al. 2006. PubMed ID: 16941474). Functional expression studies in cell lines suggest that this is a null allele that abolishes Beta-galactosidase enzyme activity (Santamaria et al. 2007. PubMed ID: 17664528). This variant is reported in 0.0058% of alleles in individuals of Latino descent in gnomAD. This variant is interpreted as pathogenic.

GeneDx
Classification: Pathogenic. Last evaluated: 2025-03-13. Review status: criteria provided, single submitter. Criteria: GeneDx Variant Classification Process June 2021. Collection method: clinical testing. Allele origin: germline. Affected: yes.
Comment: Published functional studies of this variant found that it is associated with no detectable enzyme activity compared to wild-type (PMID: 17664528); Not observed at significant frequency in large population cohorts (gnomAD); In silico analysis supports that this missense variant has a deleterious effect on protein structure/function; This variant is associated with the following publications: (PMID: 16941474, 26223439, 38702915, 17664528, 21497194)

Labcorp Genetics (formerly Invitae), Labcorp
Classification: Pathogenic for Mucopolysaccharidosis, MPS-IV-B; GM1 gangliosidosis. Last evaluated: 2024-12-29. Review status: criteria provided, single submitter. Criteria: Invitae Variant Classification Sherloc (09022015). Collection method: clinical testing. Allele origin: germline.
Comment: This sequence change replaces aspartic acid, which is acidic and polar, with asparagine, which is neutral and polar, at codon 441 of the GLB1 protein (p.Asp441Asn). This variant is present in population databases (rs780724173, gnomAD 0.006%). This missense change has been observed in individual(s) with GLB1-related conditions (PMID: 16941474, 17664528, 21497194). ClinVar contains an entry for this variant (Variation ID: 551496). Invitae Evidence Modeling of protein sequence and biophysical properties (such as structural, functional, and spatial information, amino acid conservation, physicochemical variation, residue mobility, and thermodynamic stability) indicates that this missense variant is expected to disrupt GLB1 protein function with a positive predictive value of 95%. Experimental studies have shown that this missense change affects GLB1 function (PMID: 17664528). For these reasons, this variant has been classified as Pathogenic.

Counsyl
Classification: Likely pathogenic for Infantile GM1 gangliosidosis; GM1 gangliosidosis type 2; GM1 gangliosidosis type 3; Mucopolysaccharidosis, MPS-IV-B. Last evaluated: 2017-04-13. Review status: no assertion criteria provided. Collection method: clinical testing. Allele origin: unknown. Not counted in ClinVar's aggregate classification.

Literature cited by the submitters: PubMed 21497194 (cited by 3 submitters); PubMed 17664528 (cited by 3 submitters); PubMed 16941474 (cited by 4 submitters); PubMed 28476546 (cited by Women's Health and Genetics/Laboratory Corporation of America, LabCorp and Natera, Inc.); PubMed 22128166 (cited by Counsyl).